The following is an entry in ClinVar:

ClinVar aggregate classification (germline): Uncertain significance (1 of 4 stars; one submission).

Conditions:
Inborn genetic diseases. Identifiers: MedGen C0950123, MeSH D030342.

Allele frequency attached by ClinVar (database versions not stated): gnomAD exomes below 0.00001.
gnomAD v4.1: 2 of 1,614,032 alleles (0.00012%); highest among the groups gnomAD compares: Non-Finnish European, 0.00017%; no homozygotes.

Submission:

Ambry Genetics
Classification: Uncertain significance for Inborn genetic diseases. Last evaluated: 2024-12-23. Review status: criteria provided, single submitter. Criteria: Ambry Variant Classification Scheme 2023. Collection method: clinical testing. Allele origin: germline.
Comment: The p.V629M variant (also known as c.1885G>A), located in coding exon 17 of the KDM1A gene, results from a G to A substitution at nucleotide position 1885. The valine at codon 629 is replaced by methionine, an amino acid with highly similar properties. This amino acid position is conserved. In addition, this alteration is predicted to be deleterious by in silico analysis. Based on the available evidence, the clinical significance of this variant remains unclear.

NM_001009999.3(KDM1A):c.1885G>A (p.Val629Met)

Gene: KDM1A (lysine demethylase 1A; plus strand). Cytogenetic location: 1p36.12.
Variant type: single nucleotide variant.
Coding change: c.1885G>A on transcript NM_001009999.3 (MANE Select); coding-DNA position 1885, G replaced by A.
Protein change: p.Val629Met; replaces valine 629 with methionine.
Molecular consequence: missense variant.
Genome position (GRCh38, 1-based): chr1:23,079,007, G>A. VCF-style: chr1-23079007-G-A. GRCh37 (hg19) VCF-style: chr1-23405500-G-A.
Other names: c.1831G>A, p.Val611Met (NM_001363654.2); c.1891G>A, p.Val631Met (NM_001410762.1); c.1813G>A, p.Val605Met (NM_001410763.1, NM_015013.4); short protein forms V611M, V605M, V629M, V631M.
Identifiers: ClinVar variation 2321531 (VCV002321531.3), dbSNP rs1557598894, ClinGen allele CA338970859.
Genomic context (GRCh38, chr1:23,079,007, plus strand): 5'-CCATATTCATCACCACTAGTCTTTTCCCACCCAACCTCTGCAGGATGTGAAGTGATAGCT[G>A]TGAATACCCGCTCCACGAGTCAAACCTTTATTTATAAATGCGACGCAGTTCTCTGTACCC-3'
Protein context (NP_001009999.1, residues 619-639): YTASGCEVIA[Val629Met]NTRSTSQTFI